The following is an entry in ClinVar:

ClinVar aggregate classification (germline): Uncertain significance (1 of 4 stars; one submission).

Allele frequency attached by ClinVar (database versions not stated): TOPMed below 0.00001.

Submission:

GeneDx
Classification: Uncertain significance. Last evaluated: 2022-03-06. Review status: criteria provided, single submitter. Criteria: GeneDx Variant Classification Process June 2021. Collection method: clinical testing. Allele origin: germline. Affected: yes.
Comment: Not observed at significant frequency in large population cohorts (gnomAD); Nonsense variant predicted to result in protein truncation or nonsense-mediated decay in a gene for which loss-of-function is not a known mechanism of disease; Has not been previously published as pathogenic or benign to our knowledge

NM_022168.4(IFIH1):c.2554A>T (p.Lys852Ter)

Gene: IFIH1 (interferon induced with helicase C domain 1; minus strand). Cytogenetic location: 2q24.2.
Variant type: single nucleotide variant.
Coding change: c.2554A>T on transcript NM_022168.4 (MANE Select); coding-DNA position 2554, A replaced by T.
Protein change: p.Lys852Ter; replaces lysine 852 with a stop codon.
Molecular consequence: nonsense.
Genome position (GRCh38, 1-based): chr2:162,272,288, T>A on the plus strand (A>T on the coding strand, the complement: IFIH1 is on the minus strand). VCF-style: chr2-162272288-T-A. GRCh37 (hg19) VCF-style: chr2-163128798-T-A.
Other names: short protein forms K852*.
Identifiers: ClinVar variation 1704816 (VCV001704816.2), dbSNP rs1691055307, ClinGen allele CA348994122.